The following is an entry in ClinVar:

NM_206933.4(USH2A):c.6047C>T (p.Thr2016Ile)

Gene: USH2A (usherin; minus strand). Cytogenetic location: 1q41.
Variant type: single nucleotide variant.
Coding change: c.6047C>T on transcript NM_206933.4 (MANE Select); coding-DNA position 6047, C replaced by T.
Protein change: p.Thr2016Ile; replaces threonine 2016 with isoleucine.
Molecular consequence: missense variant.
Genome position (GRCh38, 1-based): chr1:216,070,103, G>A on the plus strand (C>T on the coding strand, the complement: USH2A is on the minus strand). VCF-style: chr1-216070103-G-A. GRCh37 (hg19) VCF-style: chr1-216243445-G-A.
Other names: short protein forms T2016I.
Identifiers: ClinVar variation 1037467 (VCV001037467.6), dbSNP rs750260175, ClinGen allele CA1395274.

ClinVar aggregate classification (germline): Uncertain significance (1 of 4 stars; one submission).

Allele frequency attached by ClinVar (database versions not stated): TOPMed 0.00003; gnomAD exomes 0.00002; ExAC 0.00001.
gnomAD v4.1: 22 of 1,613,804 alleles (0.0014%); highest among the groups gnomAD compares: Non-Finnish European, 0.0018%; no homozygotes.

Submission:

Labcorp Genetics (formerly Invitae), Labcorp
Classification: Uncertain significance. Last evaluated: 2022-09-13. Review status: criteria provided, single submitter. Criteria: Invitae Variant Classification Sherloc (09022015). Collection method: clinical testing. Allele origin: germline.
Comment: This sequence change replaces threonine, which is neutral and polar, with isoleucine, which is neutral and non-polar, at codon 2016 of the USH2A protein (p.Thr2016Ile). This variant is present in population databases (rs750260175, gnomAD 0.004%). This variant has not been reported in the literature in individuals affected with USH2A-related conditions. ClinVar contains an entry for this variant (Variation ID: 1037467). Algorithms developed to predict the effect of missense changes on protein structure and function are either unavailable or do not agree on the potential impact of this missense change (SIFT: "Deleterious"; PolyPhen-2: "Benign"; Align-GVGD: "Class C0"). In summary, the available evidence is currently insufficient to determine the role of this variant in disease. Therefore, it has been classified as a Variant of Uncertain Significance.